The following is an entry in ClinVar:

NM_020821.3(VPS13C):c.7199A>G (p.Asn2400Ser)

Gene: VPS13C (vacuolar protein sorting 13 homolog C; minus strand). Cytogenetic location: 15q22.2.
Variant type: single nucleotide variant.
Coding change: c.7199A>G on transcript NM_020821.3 (MANE Select); coding-DNA position 7199, A replaced by G.
Protein change: p.Asn2400Ser; replaces asparagine 2400 with serine.
Molecular consequence: missense variant.
Genome position (GRCh38, 1-based): chr15:61,920,511, T>C on the plus strand (A>G on the coding strand, the complement: VPS13C is on the minus strand). VCF-style: chr15-61920511-T-C. GRCh37 (hg19) VCF-style: chr15-62212710-T-C.
Other names: c.7199A>G, p.Asn2400Ser (NM_001018088.3); c.7070A>G, p.Asn2357Ser (NM_017684.5, NM_018080.4); short protein forms N2357S, N2400S.
Identifiers: ClinVar variation 1805178 (VCV001805178.1), dbSNP rs774352026, ClinGen allele CA7595340.

ClinVar aggregate classification (germline): Uncertain significance (1 of 4 stars; one submission).

Conditions:
Autosomal recessive early-onset Parkinson disease 23. Identifiers: Orphanet 2828, MedGen C4225186, MONDO:0014796, OMIM 616840.

Allele frequency attached by ClinVar (database versions not stated): gnomAD exomes below 0.00001; ExAC 0.00001.
gnomAD v4.1: 2 of 1,535,602 alleles (0.00013%); highest among the groups gnomAD compares: African/African-American, 0.0014%; no homozygotes.

Submission:

Victorian Clinical Genetics Services, Murdoch Childrens Research Institute
Classification: Uncertain significance for Autosomal recessive early-onset Parkinson disease 23. Last evaluated: 2022-02-02. Review status: criteria provided, single submitter. Criteria: ACMG Guidelines, 2015. Collection method: clinical testing. Allele origin: germline. Inheritance: Autosomal recessive inheritance.
Comment: Based on the classification scheme VCGS_Germline_v1.3.4, this variant is classified as VUS-3C. Following criteria are met: 0102 - Loss of function is a known mechanism of disease in this gene and is associated with Parkinson disease 23, autosomal recessive, early onset (MIM#616840). (I) 0106 - This gene is associated with autosomal recessive disease. (I) 0200 - Variant is predicted to result in a missense amino acid change from asparagine to serine. (I) 0251 - This variant is heterozygous. (I) 0304 - Variant is present in gnomAD (v2) <0.01 for a recessive condition (1 heterozygote, 0 homozygotes). (SP) 0504 - Same amino acid change has been observed in placental mammals. (SB) 0600 - Variant is located in the annotated MRS6 superfamily domain (NCBI). (I) 0705 - No comparable missense variants have previous evidence for pathogenicity. (I) 0807 - This variant has no previous evidence of pathogenicity. (I) 0905 - No published segregation evidence has been identified for this variant. (I) 1007 - No published functional evidence has been identified for this variant. (I) 1208 - Inheritance information for this variant is not currently available in this individual. (I) Legend: (SP) - Supporting pathogenic, (I) - Information, (SB) - Supporting benign